The following is an entry in ClinVar:

NM_000059.4(BRCA2):c.6842-374G>A

Gene: BRCA2 (BRCA2 DNA repair associated; plus strand). Cytogenetic location: 13q13.1.
Variant type: single nucleotide variant.
Coding change: c.6842-374G>A on transcript NM_000059.4 (MANE Select); 374 bases into the intron before coding-DNA position 6842, G replaced by A.
Molecular consequence: intron variant.
Genome position (GRCh38, 1-based): chr13:32,344,184, G>A. VCF-style: chr13-32344184-G-A. GRCh37 (hg19) VCF-style: chr13-32918321-G-A.
Identifiers: ClinVar variation 264964 (VCV000264964.1), dbSNP rs533452666, ClinGen allele CA10588105.

ClinVar aggregate classification (germline): Benign (3 of 4 stars; one submission).

Conditions:
Breast-ovarian cancer, familial, susceptibility to, 2 (BROVCA2). Also called: BRCA2 Hereditary Breast and Ovarian Cancer. Identifiers: Orphanet 145, MedGen C2675520, MONDO:0012933, OMIM 612555. Disease mechanism: loss of function.

Allele frequency attached by ClinVar (database versions not stated): TOPMed below 0.00001; 1000 Genomes Project 0.02356.

Submission:

Evidence-based Network for the Interpretation of Germline Mutant Alleles (ENIGMA)
Classification: Benign for Breast-ovarian cancer, familial, susceptibility to, 2. Last evaluated: 2016-09-28. Review status: reviewed by expert panel. Criteria: ENIGMA BRCA1/2 Classification Criteria (2015). Collection method: curation. Allele origin: germline.
Comment: Class 1 not pathogenic based on frequency >1% in an outbred sampleset. Frequency 0.0258 (European), 0.0197 (African), 0.0159 (Admixed American/Latino), 0.0377 (East Asian), 0.0174 (South Asian), derived from 1000 genomes (2013-05-02).